The following is an entry in ClinVar:

ClinVar aggregate classification (germline): Uncertain significance (1 of 4 stars; one submission).

Allele frequency attached by ClinVar (database versions not stated): TOPMed below 0.00001.
gnomAD v4.1: 1 of 1,614,092 alleles (0.000062%); highest among the groups gnomAD compares: Admixed American, 0.0017%; no homozygotes.

Submission:

Labcorp Genetics (formerly Invitae), Labcorp
Classification: Uncertain significance. Last evaluated: 2022-09-26. Review status: criteria provided, single submitter. Criteria: Invitae Variant Classification Sherloc (09022015). Collection method: clinical testing. Allele origin: germline.
Comment: This sequence change replaces glutamine, which is neutral and polar, with lysine, which is basic and polar, at codon 838 of the USH2A protein (p.Gln838Lys). The frequency data for this variant in the population databases is considered unreliable, as metrics indicate poor data quality at this position in the gnomAD database. This variant has not been reported in the literature in individuals affected with USH2A-related conditions. Advanced modeling of protein sequence and biophysical properties (such as structural, functional, and spatial information, amino acid conservation, physicochemical variation, residue mobility, and thermodynamic stability) performed at Invitae indicates that this missense variant is not expected to disrupt USH2A protein function. In summary, the available evidence is currently insufficient to determine the role of this variant in disease. Therefore, it has been classified as a Variant of Uncertain Significance.

NM_206933.4(USH2A):c.2512C>A (p.Gln838Lys)

Genes: USH2A (usherin; minus strand), LOC122152296 (Sharpr-MPRA regulatory region 8762; plus strand). Cytogenetic location: 1q41.
Variant type: single nucleotide variant.
Coding change: c.2512C>A on transcript NM_206933.4 (MANE Select); coding-DNA position 2512, C replaced by A.
Protein change: p.Gln838Lys; replaces glutamine 838 with lysine.
Molecular consequence: missense variant.
Genome position (GRCh38, 1-based): chr1:216,246,882, G>T on the plus strand (C>A on the coding strand, the complement: USH2A is on the minus strand). VCF-style: chr1-216246882-G-T. GRCh37 (hg19) VCF-style: chr1-216420224-G-T.
Other names: c.2512C>A, p.Gln838Lys (NM_007123.6); short protein forms Q838K.
Identifiers: ClinVar variation 1715715 (VCV001715715.6), dbSNP rs1449075820, ClinGen allele CA344864635.